The following is an entry in ClinVar:

NC_000015.9:g.(?_72636408)_(72636491_?)del

Gene: HEXA (hexosaminidase subunit alpha; minus strand). Cytogenetic location: 15q23.
Variant type: Deletion.
Identifiers: ClinVar variation 1455050 (VCV001455050.6).

ClinVar aggregate classification (germline): Pathogenic (1 of 4 stars; one submission).

Conditions:
Tay-Sachs disease (TSD). Also called: HEXA DEFICIENCY; GM2 gangliosidosis, type 1; Hexosaminidase alpha-subunit deficiency (variant B); Sphingolipidosis, Tay-Sachs; HEXA Disorders; Hexosaminidase A Deficiency. Identifiers: Orphanet 845, MedGen C0039373, MONDO:0010100, OMIM 272800.

Submission:

Labcorp Genetics (formerly Invitae), Labcorp
Classification: Pathogenic for Tay-Sachs disease. Last evaluated: 2021-02-03. Review status: criteria provided, single submitter. Criteria: Invitae Variant Classification Sherloc (09022015). Collection method: clinical testing. Allele origin: germline.
Comment: For these reasons, this variant has been classified as Pathogenic. This variant disrupts the C-terminus of the HEXA protein. Other variant(s) that disrupt this region (p.Arg510*) have been determined to be pathogenic (PMID: 22789865, 27896118, 21567908). This suggests that variants that disrupt this region of the protein are likely to be causative of disease. This variant has not been reported in the literature in individuals with HEXA-related conditions. This variant is a gross deletion of the genomic region encompassing exon(s) 14 of the HEXA gene. The 5' boundary is likely confined to intron 13. The 3' end of this event is unknown as it extends through the termination codon beyond the assayed region for this gene and may encompass additional genes. While this deletion is not anticipated to lead to nonsense mediated decay, it is expected to alter mRNA translation or result in a truncated protein product.

Literature cited by the submitters: PubMed 22789865; PubMed 27896118; PubMed 21567908.